The following is an entry in ClinVar:

NM_177438.3(DICER1):c.2372A>G (p.Lys791Arg)

Gene: DICER1 (dicer 1, ribonuclease III; minus strand). Cytogenetic location: 14q32.13.
Variant type: single nucleotide variant.
Coding change: c.2372A>G on transcript NM_177438.3 (MANE Select); coding-DNA position 2372, A replaced by G.
Protein change: p.Lys791Arg; replaces lysine 791 with arginine.
Molecular consequence: missense variant. On other transcripts: non-coding transcript variant (6).
Genome position (GRCh38, 1-based): chr14:95,108,388, T>C on the plus strand (A>G on the coding strand, the complement: DICER1 is on the minus strand). VCF-style: chr14-95108388-T-C. GRCh37 (hg19) VCF-style: chr14-95574725-T-C.
Other names: c.2372A>G, p.Lys791Arg (NM_001195573.1, NM_001271282.3, NM_001291628.2 and 13 more transcripts); c.2090A>G, p.Lys697Arg (NM_001395686.1); c.1967A>G, p.Lys656Arg (NM_001395687.1, NM_001395688.1, NM_001395689.1 and 2 more transcripts); c.1805A>G, p.Lys602Arg (NM_001395691.1); c.689A>G, p.Lys230Arg (NM_001395697.1); short protein forms K656R, K230R, K697R, K791R, K602R.
Identifiers: ClinVar variation 2586386 (VCV002586386.5), dbSNP rs748518606, ClinGen allele CA7331252.
Genomic context (GRCh38, chr14:95,108,388, plus strand): 5'-GGTATGGGTTTGGCCGTCAGTATTCCAAAGCATCTTGTGGTATCTTCAGGAGGATAGAGC[T>C]TCCGCCTTCTAAAGTTGAGTTCATCAGGTAAAGGTGTAGTTAAAACCATTCCTATCACAT-3'
Protein context (NP_803187.1, residues 781-801): LPDELNFRRR[Lys791Arg]LYPPEDTTRC

ClinVar aggregate classification (germline): Uncertain significance. Review status: criteria provided, multiple submitters, no conflicts (2 of 4 stars). 2 submissions from 2 submitters: Uncertain significance (2). Last evaluated 2023-06-15.

Conditions:
Hereditary cancer-predisposing syndrome. Also called: Tumor predisposition; Neoplastic Syndromes, Hereditary; Hereditary Cancer Syndrome; Hereditary neoplastic syndrome. Identifiers: Orphanet 140162, MedGen C0027672, MeSH D009386, MONDO:0015356.
DICER1-related tumor predisposition. Also called: DICER1-related pleuropulmonary blastoma cancer predisposition syndrome; DICER1 syndrome. Identifiers: Orphanet 284343, MedGen C3839822, MONDO:0100216.

Allele frequency attached by ClinVar (database versions not stated): gnomAD exomes below 0.00001; ExAC 0.00001.
gnomAD v4.1: 1 of 1,614,136 alleles (0.000062%); highest among the groups gnomAD compares: South Asian, 0.0011%; no homozygotes.

Submissions (2):

Ambry Genetics
Classification: Uncertain significance for Hereditary cancer-predisposing syndrome. Last evaluated: 2023-06-15. Review status: criteria provided, single submitter. Criteria: Ambry Variant Classification Scheme 2023. Collection method: clinical testing. Allele origin: germline.
Comment: The p.K791R variant (also known as c.2372A>G), located in coding exon 14 of the DICER1 gene, results from an A to G substitution at nucleotide position 2372. The lysine at codon 791 is replaced by arginine, an amino acid with highly similar properties. This amino acid position is conserved. In addition, the in silico prediction for this alteration is inconclusive. Since supporting evidence is limited at this time, the clinical significance of this alteration remains unclear.

Labcorp Genetics (formerly Invitae), Labcorp
Classification: Uncertain significance for DICER1-related tumor predisposition. Last evaluated: 2023-01-20. Review status: criteria provided, single submitter. Criteria: Invitae Variant Classification Sherloc (09022015). Collection method: clinical testing. Allele origin: germline.
Comment: This sequence change replaces lysine, which is basic and polar, with arginine, which is basic and polar, at codon 791 of the DICER1 protein (p.Lys791Arg). This variant is present in population databases (rs748518606, gnomAD 0.003%). This variant has not been reported in the literature in individuals affected with DICER1-related conditions. Advanced modeling of protein sequence and biophysical properties (such as structural, functional, and spatial information, amino acid conservation, physicochemical variation, residue mobility, and thermodynamic stability) performed at Invitae indicates that this missense variant is not expected to disrupt DICER1 protein function. In summary, the available evidence is currently insufficient to determine the role of this variant in disease. Therefore, it has been classified as a Variant of Uncertain Significance.